The following is an entry in ClinVar:

ClinVar aggregate classification (germline): Uncertain significance (1 of 4 stars; one submission).

Conditions:
Inborn genetic diseases. Identifiers: MedGen C0950123, MeSH D030342.

Submission:

Ambry Genetics
Classification: Uncertain significance for Inborn genetic diseases. Last evaluated: 2025-01-13. Review status: criteria provided, single submitter. Criteria: Ambry Variant Classification Scheme 2023. Collection method: clinical testing. Allele origin: germline.
Comment: The p.Q1501E variant (also known as c.4501C>G), located in coding exon 17 of the FANCM gene, results from a C to G substitution at nucleotide position 4501. The glutamine at codon 1501 is replaced by glutamic acid, an amino acid with highly similar properties. This amino acid position is conserved. In addition, this alteration is predicted to be tolerated by in silico analysis. Based on the available evidence, the clinical significance of this variant remains unclear.

NM_020937.4(FANCM):c.4501C>G (p.Gln1501Glu)

Gene: FANCM (FA complementation group M; plus strand). Cytogenetic location: 14q21.2.
Variant type: single nucleotide variant.
Coding change: c.4501C>G on transcript NM_020937.4 (MANE Select); coding-DNA position 4501, C replaced by G.
Protein change: p.Gln1501Glu; replaces glutamine 1501 with glutamic acid.
Molecular consequence: missense variant.
Genome position (GRCh38, 1-based): chr14:45,183,888, C>G. VCF-style: chr14-45183888-C-G. GRCh37 (hg19) VCF-style: chr14-45653091-C-G.
Other names: c.4423C>G, p.Gln1475Glu (NM_001308133.2); short protein forms Q1475E, Q1501E.
Identifiers: ClinVar variation 3848615 (VCV003848615.1).
Genomic context (GRCh38, chr14:45,183,888, plus strand): 5'-TTAGAAGACTTCAAGGTTTGTAACGGGAATGCCAGAAGAGGCATCAAAGTCCCAAAGAGA[C>G]AGAGTCACTTAAAGGTAATCTTTTTTTTAGTTTCTTTAAATATGTATGCATTTTATCAGT-3'
Protein context (NP_065988.1, residues 1491-1511): ARRGIKVPKR[Gln1501Glu]SHLKHVARKF